The following is an entry in ClinVar:

NM_181783.4(TMTC3):c.112G>C (p.Asp38His)

Gene: TMTC3 (transmembrane O-mannosyltransferase targeting cadherins 3; plus strand). Cytogenetic location: 12q21.32.
Variant type: single nucleotide variant.
Coding change: c.112G>C on transcript NM_181783.4 (MANE Select); coding-DNA position 112, G replaced by C.
Protein change: p.Asp38His; replaces aspartic acid 38 with histidine.
Molecular consequence: missense variant. On other transcripts: 5 prime UTR variant (1), non-coding transcript variant (1), intron variant (2).
Genome position (GRCh38, 1-based): chr12:88,148,427, G>C. VCF-style: chr12-88148427-G-C. GRCh37 (hg19) VCF-style: chr12-88542204-G-C.
Other names: c.-69G>C (NM_001366574.1); c.112G>C, p.Asp38His (NM_001366579.1); c.-78-4864G>C (NM_001366580.1); c.-285-5861G>C (NM_001366583.1); short protein forms D38H.
Identifiers: ClinVar variation 1900985 (VCV001900985.5), dbSNP rs2501932444, ClinGen allele CA385992389.
Genomic context (GRCh38, chr12:88,148,427, plus strand): 5'-GCCTGCTATTGGAACAGCCTCTTTTGTGGTTTTGTTTTTGATGATGTTTCAGCAATACTG[G>C]ATAACAAAGACTTGCATCCATCTACACCTTTAAAAACTTTATTTCAAAATGACTTCTGGG-3'
Protein context (NP_861448.2, residues 28-48): FVFDDVSAIL[Asp38His]NKDLHPSTPL

ClinVar aggregate classification (germline): Uncertain significance (1 of 4 stars; one submission).

Submission:

Labcorp Genetics (formerly Invitae), Labcorp
Classification: Uncertain significance. Last evaluated: 2025-03-31. Review status: criteria provided, single submitter. Criteria: Invitae Variant Classification Sherloc (09022015). Collection method: clinical testing. Allele origin: germline.
Comment: This sequence change replaces aspartic acid, which is acidic and polar, with histidine, which is basic and polar, at codon 38 of the TMTC3 protein (p.Asp38His). This variant is not present in population databases (gnomAD no frequency). This variant has not been reported in the literature in individuals affected with TMTC3-related conditions. ClinVar contains an entry for this variant (Variation ID: 1900985). An algorithm developed to predict the effect of missense changes on protein structure and function (PolyPhen-2) suggests that this variant is likely to be disruptive. In summary, the available evidence is currently insufficient to determine the role of this variant in disease. Therefore, it has been classified as a Variant of Uncertain Significance.